The following is an entry in ClinVar:

Conditions:
Breast-ovarian cancer, familial, susceptibility to, 1 (BROVCA1). Also called: BRCA1 Hereditary Breast and Ovarian Cancer; OVARIAN CANCER, SUSCEPTIBILITY TO. Identifiers: Orphanet 145, MedGen C2676676, MONDO:0011450, OMIM 604370. Disease mechanism: loss of function.

Submission:

Brotman Baty Institute, University of Washington
No classification provided (evidence only). Condition: Breast-ovarian cancer, familial 1. Review status: no classification provided. Collection method: in vitro. Allele origin: not applicable. Functional consequence: functionally_abnormal.
ClinVar note: "not provided" was previously submitted as the classification for the variant. However, the classification appeared to be based only on an observation of functional data so it was converted to no classification on 2025-07-30.

NM_007294.4(BRCA1):c.5429T>A (p.Val1810Glu)

Gene: BRCA1 (BRCA1 DNA repair associated; minus strand). Cytogenetic location: 17q21.31.
Variant type: single nucleotide variant.
Coding change: c.5429T>A on transcript NM_007294.4 (MANE Select); coding-DNA position 5429, T replaced by A.
Protein change: p.Val1810Glu; replaces valine 1810 with glutamic acid.
Molecular consequence: missense variant. On other transcripts: nonsense (17), non-coding transcript variant (1).
Genome position (GRCh38, 1-based): chr17:43,047,681, A>T on the plus strand (T>A on the coding strand, the complement: BRCA1 is on the minus strand). VCF-style: chr17-43047681-A-T. GRCh37 (hg19) VCF-style: chr17-41199698-A-T.
Other names: c.2000T>A, p.Val667Glu (NM_001408424.1, NM_001408421.1, NM_001408422.1 and 1 more transcripts); c.1997T>A, p.Val666Glu (NM_001408425.1, NM_001408426.1, NM_001408427.1 and 4 more transcripts); c.1994T>A, p.Val665Glu (NM_001408437.1, NM_001408438.1, NM_001408439.1 and 10 more transcripts); c.1991T>A, p.Val664Glu (NM_001408445.1, NM_001408446.1, NM_001408447.1 and 2 more transcripts); c.1979T>A, p.Val660Glu (NM_001408457.1, NM_001408452.1, NM_001408453.1 and 3 more transcripts); c.1976T>A, p.Val659Glu (NM_001408458.1, NM_001408459.1, NM_001408460.1 and 7 more transcripts); c.1910T>A, p.Val637Glu (NM_001408478.1, NM_001408479.1, NM_001408480.1); c.1907T>A, p.Val636Glu (NM_001408481.1, NM_001408482.1, NM_001408483.1 and 5 more transcripts); and 83 more; short protein forms C681*, V1763E, V706E, V1810E, V1831E, C1784*, V1514E, V1683E.
Identifiers: ClinVar variation 867388 (VCV000867388.3), dbSNP rs80357451, ClinGen allele CA10590577.